The following is an entry in ClinVar:

NM_002203.4(ITGA2):c.268G>A (p.Ala90Thr)

Gene: ITGA2 (integrin subunit alpha 2; plus strand). Cytogenetic location: 5q11.2.
Variant type: single nucleotide variant.
Coding change: c.268G>A on transcript NM_002203.4 (MANE Select); coding-DNA position 268, G replaced by A.
Protein change: p.Ala90Thr; replaces alanine 90 with threonine.
Molecular consequence: missense variant. On other transcripts: non-coding transcript variant (5).
Genome position (GRCh38, 1-based): chr5:53,042,194, G>A. VCF-style: chr5-53042194-G-A. GRCh37 (hg19) VCF-style: chr5-52338024-G-A.
Other names: short protein forms A90T.
Identifiers: ClinVar variation 729318 (VCV000729318.8), dbSNP rs200476815, ClinGen allele CA3262547.

ClinVar aggregate classification (germline): Benign. Review status: criteria provided, multiple submitters, no conflicts (2 of 4 stars). 3 submissions from 3 submitters: Benign (3). Last evaluated 2025-11-17.

Conditions:
ITGA2-related disorder. Also called: ITGA2-related condition.
Platelet-type bleeding disorder 9 (BDPLT9). Also called: GLYCOPROTEIN Ia DEFICIENCY; GP Ia DEFICIENCY; COLLAGEN PLATELET RECEPTOR DEFICIENCY. Identifiers: Orphanet 73271, Orphanet 98886, MedGen C3280114, MONDO:0013622, OMIM 614200.

Allele frequency attached by ClinVar (database versions not stated): gnomAD 0.00003 and 0.00064; TOPMed 0.00012; gnomAD exomes 0.00093 and 0.00199; ExAC 0.00232; 1000 Genomes Project 30x 0.00547; 1000 Genomes Project 0.00599.
gnomAD v4.1: 1,475 of 1,612,270 alleles (0.091%); highest among the groups gnomAD compares: South Asian, 1.5%; 15 homozygotes.

Submissions (3):

PreventionGenetics, part of Exact Sciences
Classification: Benign for ITGA2-related condition. Last evaluated: 2025-11-17. Review status: criteria provided, single submitter. Criteria: ACMG Guidelines, 2015. Collection method: clinical testing. Allele origin: germline.
Comment: This variant is classified as benign based on ACMG/AMP sequence variant interpretation guidelines (Richards et al. 2015 PMID: 25741868, with internal and published modifications).

Illumina Laboratory Services, Illumina
Classification: Benign for Platelet-type bleeding disorder 9. Last evaluated: 2018-01-13. Review status: criteria provided, single submitter. Criteria: ICSL Variant Classification Criteria 13 December 2019. Collection method: clinical testing. Allele origin: germline.
Comment: This variant was observed in the ICSL laboratory as part of a predisposition screen in an ostensibly healthy population. It had not been previously curated by ICSL or reported in the Human Gene Mutation Database (HGMD: prior to June 1st, 2018), and was therefore a candidate for classification through an automated scoring system. Utilizing variant allele frequency, disease prevalence and penetrance estimates, and inheritance mode, an automated score was calculated to assess if this variant is too frequent to cause the disease. Based on the score and internal cut-off values, a variant classified as benign is not then subjected to further curation. The score for this variant resulted in a classification of benign for this disease.

Labcorp Genetics (formerly Invitae), Labcorp
Classification: Benign. Last evaluated: 2018-01-11. Review status: criteria provided, single submitter. Criteria: Invitae Variant Classification Sherloc (09022015). Collection method: clinical testing. Allele origin: germline.